The following is an entry in ClinVar:

ClinVar aggregate classification (germline): Benign/Likely benign. Review status: criteria provided, multiple submitters, no conflicts (2 of 4 stars). 6 submissions from 6 submitters: Benign (1); Likely benign (5). Last evaluated 2025-11-05.

Conditions:
Neuroblastoma (NB). Identifiers: Orphanet 635, MedGen C0027819, MeSH D009447, MONDO:0005072, HP:0003006.
Charcot-Marie-Tooth disease type 2. Also called: Charcot-Marie-Tooth type 2. Identifiers: Orphanet 64746, MedGen C0270914, MONDO:0018993.
Neuroblastoma, susceptibility to, 1. Identifiers: MedGen C2749485, MONDO:0009741, OMIM 256700.
Charcot-Marie-Tooth disease type 2A1. Also called: HEREDITARY MOTOR AND SENSORY NEUROPATHY IIA1; CHARCOT-MARIE-TOOTH DISEASE, AXONAL, TYPE 2A1; CHARCOT-MARIE-TOOTH DISEASE, AXONAL, AUTOSOMAL DOMINANT, TYPE 2A1; CHARCOT-MARIE-TOOTH DISEASE, NEURONAL, TYPE 2A1; CHARCOT-MARIE-TOOTH NEUROPATHY, TYPE 2A1. Identifiers: Orphanet 99946, MedGen C1861678, MONDO:0007308, OMIM 118210.

Allele frequency attached by ClinVar (database versions not stated): ESP Exome Variant Server 0.00015; gnomAD 0.00016 and 0.00017; TOPMed 0.00017; ExAC 0.00027.
gnomAD v4.1: 275 of 1,613,828 alleles (0.017%); highest among the groups gnomAD compares: Middle Eastern, 0.016%; 1 homozygote.

Submissions (6):

Labcorp Genetics (formerly Invitae), Labcorp
Classification: Benign for Charcot-Marie-Tooth disease type 2. Last evaluated: 2025-11-05. Review status: criteria provided, single submitter. Criteria: Invitae Variant Classification Sherloc (09022015). Collection method: clinical testing. Allele origin: germline.

Blueprint Genetics
Classification: Likely benign. Last evaluated: 2024-11-25. Review status: criteria provided, single submitter. Criteria: ACMG Guidelines, 2015. Collection method: clinical testing. Allele origin: germline.

Department of Pathology and Laboratory Medicine, Sinai Health System
Classification: Likely benign for Charcot-Marie-Tooth disease type 2A1; Neuroblastoma, susceptibility to, 1. Last evaluated: 2023-05-04. Review status: criteria provided, single submitter. Criteria: ACMG Guidelines, 2015. Collection method: research. Allele origin: germline.

Ambry Genetics
Classification: Likely benign. Last evaluated: 2023-01-09. Review status: criteria provided, single submitter. Criteria: Ambry Variant Classification Scheme 2023. Collection method: clinical testing. Allele origin: germline.

Illumina Laboratory Services, Illumina
Classification: Likely benign for Neuroblastoma. Last evaluated: 2018-01-13. Review status: criteria provided, single submitter. Criteria: ICSL Variant Classification Criteria 13 December 2019. Collection method: clinical testing. Allele origin: germline.
Comment: This variant was observed in the ICSL laboratory as part of a predisposition screen in an ostensibly healthy population. It had not been previously curated by ICSL or reported in the Human Gene Mutation Database (HGMD: prior to June 1st, 2018), and was therefore a candidate for classification through an automated scoring system. Utilizing variant allele frequency, disease prevalence and penetrance estimates, and inheritance mode, an automated score was calculated to assess if this variant is too frequent to cause the disease. Based on the score and internal cut-off values, a variant classified as likely benign is not then subjected to further curation. The score for this variant resulted in a classification of likely benign for this disease.

Breakthrough Genomics
Classification: Likely benign. Review status: criteria provided, single submitter. Criteria: ACMG Guidelines, 2015. Collection method: not provided. Allele origin: germline. Inheritance: Autosomal dominant inheritance. Affected: yes.

NM_001365951.3(KIF1B):c.4967G>A (p.Arg1656Gln)

Gene: KIF1B (kinesin family member 1B; plus strand). Cytogenetic location: 1p36.22.
Variant type: single nucleotide variant.
Coding change: c.4967G>A on transcript NM_001365951.3 (MANE Select); coding-DNA position 4967, G replaced by A.
Protein change: p.Arg1656Gln; replaces arginine 1656 with glutamine.
Molecular consequence: missense variant.
Genome position (GRCh38, 1-based): chr1:10,374,336, G>A. VCF-style: chr1-10374336-G-A. GRCh37 (hg19) VCF-style: chr1-10434394-G-A.
Other names: c.4967G>A, p.Arg1656Gln (NM_001365952.1); c.4829G>A, p.Arg1610Gln (NM_015074.3); short protein forms R1656Q, R1610Q.
Identifiers: ClinVar variation 876140 (VCV000876140.16), dbSNP rs373439616, ClinGen allele CA582238.